The following is an entry in ClinVar:

NM_033004.4(NLRP1):c.3760C>A (p.Pro1254Thr)

Gene: NLRP1 (NLR family pyrin domain containing 1; minus strand). Cytogenetic location: 17p13.2.
Variant type: single nucleotide variant.
Coding change: c.3760C>A on transcript NM_033004.4 (MANE Select); coding-DNA position 3760, C replaced by A.
Protein change: p.Pro1254Thr; replaces proline 1254 with threonine.
Molecular consequence: missense variant.
Genome position (GRCh38, 1-based): chr17:5,521,547, G>T on the plus strand (C>A on the coding strand, the complement: NLRP1 is on the minus strand). VCF-style: chr17-5521547-G-T. GRCh37 (hg19) VCF-style: chr17-5424867-G-T.
Other names: c.3772C>A, p.Pro1258Thr (NM_001033053.3); c.3760C>A, p.Pro1254Thr (NM_014922.5); c.3670C>A, p.Pro1224Thr (NM_033006.4, NM_033007.4); short protein forms P1224T, P1254T, P1258T.
Identifiers: ClinVar variation 1718151 (VCV001718151.5), dbSNP rs1908905929, ClinGen allele CA397388998.

ClinVar aggregate classification (germline): Uncertain significance (1 of 4 stars; one submission).

Submission:

Labcorp Genetics (formerly Invitae), Labcorp
Classification: Uncertain significance. Last evaluated: 2022-08-27. Review status: criteria provided, single submitter. Criteria: Invitae Variant Classification Sherloc (09022015). Collection method: clinical testing. Allele origin: germline.
Comment: This variant has not been reported in the literature in individuals affected with NLRP1-related conditions. Algorithms developed to predict the effect of missense changes on protein structure and function are either unavailable or do not agree on the potential impact of this missense change (SIFT: "Deleterious"; PolyPhen-2: "Probably Damaging"; Align-GVGD: "Class C0"). In summary, the available evidence is currently insufficient to determine the role of this variant in disease. Therefore, it has been classified as a Variant of Uncertain Significance. This variant is not present in population databases (gnomAD no frequency). This sequence change replaces proline, which is neutral and non-polar, with threonine, which is neutral and polar, at codon 1254 of the NLRP1 protein (p.Pro1254Thr).